The following is an entry in ClinVar:

ClinVar aggregate classification (germline): Likely benign. Review status: criteria provided, multiple submitters, no conflicts (2 of 4 stars). 2 submissions from 2 submitters: Likely benign (2). Last evaluated 2025-01-07.

Conditions:
Lynch syndrome 5 (LYNCH5). Also called: Colorectal cancer, hereditary nonpolyposis, type 5; Hereditary non-polyposis colorectal cancer, type 5. Identifiers: Orphanet 144, MedGen C1833477, MONDO:0013710, OMIM 614350. Disease mechanism: loss of function.
Hereditary nonpolyposis colorectal neoplasms. Identifiers: MedGen C0009405, MeSH D003123.

Submissions (2):

Myriad Genetics, Inc.
Classification: Likely benign for Lynch syndrome 5. Last evaluated: 2025-01-07. Review status: criteria provided, single submitter. Criteria: Myriad Autosomal Dominant, Autosomal Recessive and X-Linked Classification Criteria (2023). Collection method: clinical testing. Allele origin: unknown.
Comment: This variant is considered likely benign. This variant is intronic and is not expected to impact mRNA splicing.

Labcorp Genetics (formerly Invitae), Labcorp
Classification: Likely benign for Hereditary nonpolyposis colorectal neoplasms. Last evaluated: 2019-04-29. Review status: criteria provided, single submitter. Criteria: Invitae Variant Classification Sherloc (09022015). Collection method: clinical testing. Allele origin: germline.

NM_000179.3(MSH6):c.3556+3_3556+7dup

Gene: MSH6 (mutS homolog 6; plus strand). Cytogenetic location: 2p16.3.
Variant type: Duplication.
Coding change: c.3556+3_3556+7dup on transcript NM_000179.3 (MANE Select); bases 3 to 7 of the intron after coding-DNA position 3556, 5 bases duplicated (GAGTT; older notation c.3556+3_3556+7dupGAGTT).
Molecular consequence: splice donor variant.
Genome position (GRCh38, 1-based): chr2:47,805,030-47,805,034, GAGTT duplicated; duplicating any 5 consecutive bases within chr2:47,805,029-47,805,034 gives the same sequence; the c. name uses the placement nearest the transcript's 3' end. VCF-style (leftmost placement, unchanged base first): chr2-47805028-G-GTGAGT. GRCh37 (hg19) VCF-style: chr2-48032167-G-GTGAGT.
Other names: c.2650+3_2650+7dup (NM_001281493.2, NM_001281494.2); c.3166+3_3166+7dup (NM_001281492.2).
Identifiers: ClinVar variation 1151156 (VCV001151156.10), dbSNP rs2104510416, ClinGen allele CA2499216132.